The following is an entry in ClinVar:

ClinVar aggregate classification (germline): Uncertain significance. Review status: criteria provided, multiple submitters, no conflicts (2 of 4 stars). 4 submissions from 4 submitters: Uncertain significance (4). Last evaluated 2024-05-28.

Conditions:
Primary ciliary dyskinesia. Also called: Ciliary dyskinesia. Identifiers: Orphanet 244, MedGen C0008780, MONDO:0016575, HP:0012265.
Inborn genetic diseases. Identifiers: MedGen C0950123, MeSH D030342.

Allele frequency attached by ClinVar (database versions not stated): gnomAD 0.00002; TOPMed 0.00002.
gnomAD v4.1: 29 of 1,613,610 alleles (0.0018%); highest among the groups gnomAD compares: Middle Eastern, 0.016%; no homozygotes.

Submissions (4):

Ambry Genetics
Classification: Uncertain significance for Inborn genetic diseases. Last evaluated: 2024-05-28. Review status: criteria provided, single submitter. Criteria: Ambry Variant Classification Scheme 2023. Collection method: clinical testing. Allele origin: germline.

GeneDx
Classification: Uncertain significance. Last evaluated: 2023-09-12. Review status: criteria provided, single submitter. Criteria: GeneDx Variant Classification Process June 2021. Collection method: clinical testing. Allele origin: germline. Affected: yes.
Comment: In silico analysis supports that this missense variant has a deleterious effect on protein structure/function; Has not been previously published as pathogenic or benign to our knowledge

Labcorp Genetics (formerly Invitae), Labcorp
Classification: Uncertain significance. Last evaluated: 2021-09-06. Review status: criteria provided, single submitter. Criteria: Invitae Variant Classification Sherloc (09022015). Collection method: clinical testing. Allele origin: germline.
Comment: Algorithms developed to predict the effect of missense changes on protein structure and function are either unavailable or do not agree on the potential impact of this missense change (SIFT: "Deleterious"; PolyPhen-2: "Probably Damaging"; Align-GVGD: "Class C0"). This sequence change replaces arginine with tryptophan at codon 2395 of the DNAH9 protein (p.Arg2395Trp). The arginine residue is moderately conserved and there is a moderate physicochemical difference between arginine and tryptophan. This variant is present in population databases (rs760224758, ExAC 0.03%). This variant has not been reported in the literature in individuals affected with DNAH9-related conditions. ClinVar contains an entry for this variant (Variation ID: 1210279). In summary, the available evidence is currently insufficient to determine the role of this variant in disease. Therefore, it has been classified as a Variant of Uncertain Significance.

UNC Molecular Genetics  Laboratory, University of North Carolina at Chapel Hill
Classification: Uncertain significance for Primary ciliary dyskinesia. Last evaluated: 2021-07-27. Review status: criteria provided, single submitter. Criteria: ACMG Guidelines, 2015. Collection method: clinical testing. Allele origin: germline. Observed: 1 heterozygote.

NM_001372.4(DNAH9):c.7183C>T (p.Arg2395Trp)

Gene: DNAH9 (dynein axonemal heavy chain 9; plus strand). Cytogenetic location: 17p12.
Variant type: single nucleotide variant.
Coding change: c.7183C>T on transcript NM_001372.4 (MANE Select); coding-DNA position 7183, C replaced by T.
Protein change: p.Arg2395Trp; replaces arginine 2395 with tryptophan.
Molecular consequence: missense variant.
Genome position (GRCh38, 1-based): chr17:11,768,465, C>T. VCF-style: chr17-11768465-C-T. GRCh37 (hg19) VCF-style: chr17-11671782-C-T.
Other names: short protein forms R2395W.
Identifiers: ClinVar variation 1210279 (VCV001210279.9), dbSNP rs760224758, ClinGen allele CA8396550.